The following is an entry in ClinVar:

NM_007194.4(CHEK2):c.1423T>A (p.Phe475Ile)

Gene: CHEK2 (checkpoint kinase 2; minus strand). Cytogenetic location: 22q12.1.
Variant type: single nucleotide variant.
Coding change: c.1423T>A on transcript NM_007194.4 (MANE Select); coding-DNA position 1423, T replaced by A.
Protein change: p.Phe475Ile; replaces phenylalanine 475 with isoleucine.
Molecular consequence: missense variant.
Genome position (GRCh38, 1-based): chr22:28,694,070, A>T on the plus strand (T>A on the coding strand, the complement: CHEK2 is on the minus strand). VCF-style: chr22-28694070-A-T. GRCh37 (hg19) VCF-style: chr22-29090058-A-T.
Other names: p.F475I:TTT>ATT; c.1552T>A, p.Phe518Ile (NM_001005735.3); c.760T>A, p.Phe254Ile (NM_001257387.3); c.1222T>A, p.Phe408Ile (NM_001349956.3); c.1336T>A, p.Phe446Ile (NM_145862.3); short protein forms F475I, F254I, F408I, F446I, F518I.
Identifiers: ClinVar variation 141046 (VCV000141046.73), dbSNP rs370968992, ClinGen allele CA294041.

ClinVar aggregate classification (germline): Conflicting classifications of pathogenicity. Review status: criteria provided, conflicting classifications (1 of 4 stars). 16 submissions from 16 submitters: Uncertain significance (10); Likely benign (4). 2 of the submissions do not count toward it. Last evaluated 2026-01-16.

Conditions:
Familial cancer of breast. Also called: Hereditary breast cancer; hereditary breast carcinoma; BREAST CANCER, FAMILIAL. Identifiers: Orphanet 227535, MedGen C0346153, MONDO:0016419, OMIM 114480. Disease mechanism: loss of function.
Colorectal cancer. Also called: Colorectal cancer, somatic; Malignant Colorectal Neoplasm. Identifiers: MedGen C0346629, MONDO:0005575, OMIM 114500.
CHEK2-related cancer predisposition (TPDS4). Also called: TUMOR PREDISPOSITION SYNDROME 4; CANCER PREDISPOSITION SYNDROME, CHEK2-RELATED; CHEK2-related cancer susceptibility. Identifiers: Orphanet 524, MedGen C5882668, MONDO:0700271, OMIM 609265.
Bone osteosarcoma. Also called: Osteosarcoma, somatic. Identifiers: Orphanet 668, MedGen C0585442, MONDO:0002629, OMIM 259500.
Prostate cancer. Also called: Malignant tumor of prostate. Identifiers: Orphanet 1331, MedGen C0376358, MONDO:0008315, HP:0012125.
CHEK2-related disorder.
Hereditary cancer-predisposing syndrome. Also called: Tumor predisposition; Hereditary neoplastic syndrome; Hereditary Cancer Syndrome; Neoplastic Syndromes, Hereditary. Identifiers: Orphanet 140162, MedGen C0027672, MeSH D009386, MONDO:0015356.
Hereditary breast ovarian cancer syndrome. Also called: Hereditary breast and ovarian cancer; Hereditary breast and/or ovarian cancer syndrome; BRCA1- and BRCA2-Associated Hereditary Breast and Ovarian Cancer; Hereditary breast and ovarian cancer syndrome (HBOC); Hereditary breast and ovarian cancer syndrome; Breast and ovarian cancer. Identifiers: Orphanet 145, MedGen C0677776, MeSH D061325, MONDO:0003582. Disease mechanism: loss of function.
Malignant tumor of breast. Also called: Cancer breast; Malignant breast neoplasm. Identifiers: MedGen C0006142, MONDO:0007254. Disease mechanism: loss of function.

Allele frequency attached by ClinVar (database versions not stated): ExAC 0.00002; gnomAD exomes 0.00002 and 0.00003; gnomAD 0.00004; TOPMed 0.00005; ESP Exome Variant Server 0.00013.
gnomAD v4.1: 30 of 1,596,050 alleles (0.0019%); highest among the groups gnomAD compares: African/African-American, 0.0027%; no homozygotes.

Submissions 1 to 11 of 16:

Labcorp Genetics (formerly Invitae), Labcorp
Classification: Uncertain significance for Familial cancer of breast. Last evaluated: 2026-01-16. Review status: criteria provided, single submitter. Criteria: Invitae Variant Classification Sherloc (09022015). Collection method: clinical testing. Allele origin: germline.
Comment: This sequence change replaces phenylalanine, which is neutral and non-polar, with isoleucine, which is neutral and non-polar, at codon 475 of the CHEK2 protein (p.Phe475Ile). This variant is present in population databases (rs370968992, gnomAD 0.007%). This missense change has been observed in individual(s) with breast cancer (PMID: 27616075, 35264596, 35980532, 37449874). ClinVar contains an entry for this variant (Variation ID: 141046). An algorithm developed to predict the effect of missense changes on protein structure and function (PolyPhen-2) suggests that this variant is likely to be tolerated. Experimental studies have shown that this missense change does not substantially affect CHEK2 function (PMID: 30851065, 37449874). In summary, the available evidence is currently insufficient to determine the role of this variant in disease. Therefore, it has been classified as a Variant of Uncertain Significance.

CeGaT Center for Human Genetics Tuebingen
Classification: Likely benign. Last evaluated: 2025-08-01. Review status: criteria provided, single submitter. Criteria: CeGaT Center For Human Genetics Tuebingen Variant Classification Criteria Version 2. Collection method: clinical testing. Allele origin: germline. Affected: yes. Observed: 7 variant alleles.
Comment: CHEK2: BP4, BS3:Supporting

Quest Diagnostics Nichols Institute San Juan Capistrano
Classification: Uncertain significance. Last evaluated: 2025-06-20. Review status: criteria provided, single submitter. Criteria: Quest Diagnostics criteria. Collection method: clinical testing. Allele origin: unknown.
Comment: The CHEK2 c.1423T>A (p.Phe475Ile) variant has been reported in the published literature in individuals with a personal and/or family of breast cancer (PMID: 27616075 (2016), 35980532 (2022), 35264596 (2022)). This variant has also been shown to have a benign effect on DNA damage repair in yeast (PMID: 30851065 (2019)), however further research is required. The frequency of this variant in the general population (Genome Aggregation Database) is uninformative in the assessment of its pathogenicity. Analysis of this variant using bioinformatics tools for the prediction of the effect of amino acid changes on protein structure and function yielded predictions that this variant is benign. Based on the available information, we are unable to determine the clinical significance of this variant.

Color Diagnostics, LLC DBA Color Health
Classification: Uncertain significance for Hereditary cancer-predisposing syndrome. Last evaluated: 2024-12-11. Review status: criteria provided, single submitter. Criteria: ACMG Guidelines, 2015. Collection method: clinical testing. Allele origin: germline.
Comment: This missense variant replaces phenylalanine with isoleucine at codon 475 of the CHEK2 protein. Computational prediction suggests that this variant may not impact protein structure and function. A functional study has shown the mutant protein to be functional in a DNA damage repair assay in yeast (PMID: 30851065). This variant has been identified in 8/265196 chromosomes in the general population by the Genome Aggregation Database (gnomAD). The available evidence is insufficient to determine the role of this variant in disease conclusively. Therefore, this variant is classified as a Variant of Uncertain Significance.

GeneDx
Classification: Uncertain significance. Last evaluated: 2024-10-21. Review status: criteria provided, single submitter. Criteria: GeneDx Variant Classification Process June 2021. Collection method: clinical testing. Allele origin: germline. Affected: yes.
Comment: Not observed at significant frequency in large population cohorts (gnomAD); In silico analysis indicates that this missense variant does not alter protein structure/function; This variant is associated with the following publications: (PMID: 27997549, 27616075, 35264596, 31050813, 37449874, 30851065, 22419737, 19782031, 35980532)

German Consortium for Hereditary Breast and Ovarian Cancer, University Hospital Cologne
Classification: Likely benign for Hereditary breast ovarian cancer syndrome. Last evaluated: 2024-09-09. Review status: criteria provided, single submitter. Criteria: ACMG Guidelines, 2015. Collection method: curation. Allele origin: germline.
Comment: According to the ACMG SVI adaptation criteria we chose these criteria: BP4 (supporting benign): REVEL = 0.098 , BS3 (strong benign): functional assays from Kleiblova 2019, Stolarova 2023 suggest no impact on protein function (also shown in yeats assay by Delimitsou 2019)

Ambry Genetics
Classification: Likely benign for Hereditary cancer-predisposing syndrome. Last evaluated: 2024-07-11. Review status: criteria provided, single submitter. Criteria: Ambry Variant Classification Scheme 2023. Collection method: clinical testing. Allele origin: germline.

Baylor Genetics
Classification: Uncertain significance for Familial cancer of breast. Last evaluated: 2023-10-22. Review status: criteria provided, single submitter. Criteria: ACMG Guidelines, 2015. Collection method: clinical testing. Allele origin: unknown.

Myriad Genetics, Inc.
Classification: Likely benign for Familial cancer of breast. Last evaluated: 2023-09-05. Review status: criteria provided, single submitter. Criteria: Myriad Autosomal Dominant, Autosomal Recessive and X-Linked Classification Criteria (2023). Collection method: clinical testing. Allele origin: unknown.
Comment: This variant is considered likely benign. This variant is strongly associated with less severe personal and family histories of cancer, typical for individuals without pathogenic variants in this gene [PMID: 25085752].

PreventionGenetics, part of Exact Sciences
Classification: Uncertain significance for CHEK2-related condition. Last evaluated: 2023-07-20. Review status: criteria provided, single submitter. Criteria: ACMG Guidelines, 2015. Collection method: clinical testing. Allele origin: germline.
Comment: The CHEK2 c.1423T>A variant is predicted to result in the amino acid substitution p.Phe475Ile. This variant has been reported in an individual with breast cancer (Table S4, Kraus et al. 2017. PubMed ID: 27616075). In vivo experimental studies using a yeast-based system suggest this variant is functionally benign (Table S1 and Figure S3, Delimitsou et al. 2019. PubMed ID: 30851065). This variant is reported in 0.0064% of alleles in individuals of European (Non-Finnish) descent in gnomAD. It is interpreted as uncertain significance by the vast majority of submitters in ClinVar. At this time, the clinical significance of this variant is uncertain due to the absence of conclusive functional and genetic evidence.

Fulgent Genetics
Classification: Uncertain significance for Familial cancer of breast; Colorectal cancer; Familial prostate cancer; Bone osteosarcoma; CHEK2-related cancer predisposition. Last evaluated: 2022-03-28. Review status: criteria provided, single submitter. Criteria: ACMG Guidelines, 2015. Collection method: clinical testing. Allele origin: unknown.